The following is an entry in ClinVar:

ClinVar aggregate classification (germline): Uncertain significance (1 of 4 stars; one submission).

Conditions:
MC3R-related disorder. Also called: MC3R-related condition.

Submission:

PreventionGenetics, part of Exact Sciences
Classification: Uncertain significance for MC3R-related condition. Last evaluated: 2026-05-29. Review status: criteria provided, single submitter. Criteria: ACMG Guidelines, 2015. Collection method: clinical testing. Allele origin: germline.
Comment: The MC3R c.883G>T variant is predicted to result in the amino acid substitution p.Asp295Tyr. To our knowledge, this variant has not been reported in the literature. This variant is reported in 0.0018% of alleles in individuals of European (Non-Finnish) descent in gnomAD. At this time, the clinical significance of this variant is uncertain due to the absence of conclusive functional and genetic evidence.

NM_019888.3(MC3R):c.883G>T (p.Asp295Tyr)

Gene: MC3R (melanocortin 3 receptor; plus strand). Cytogenetic location: 20q13.2.
Variant type: single nucleotide variant.
Coding change: c.883G>T on transcript NM_019888.3 (MANE Select); coding-DNA position 883, G replaced by T.
Protein change: p.Asp295Tyr; replaces aspartic acid 295 with tyrosine.
Molecular consequence: missense variant.
Genome position (GRCh38, 1-based): chr20:56,249,726, G>T. VCF-style: chr20-56249726-G-T. GRCh37 (hg19) VCF-style: chr20-54824782-G-T.
Other names: short protein forms D295Y.
Identifiers: ClinVar variation 4983321 (VCV004983321.1).
Genomic context (GRCh38, chr20:56,249,726, plus strand): 5'-ATCTGCTACACTGCCCACTTCAACACCTACCTGGTCCTCATCATGTGCAACTCCGTCATC[G>T]ACCCACTCATCTACGCTTTCCGGAGCCTGGAATTGCGCAACACCTTTAGGGAGATTCTCT-3'
Protein context (NP_063941.3, residues 285-305): LVLIMCNSVI[Asp295Tyr]PLIYAFRSLE